The following is an entry in ClinVar:

ClinVar aggregate classification (germline): Pathogenic/Likely pathogenic. Review status: criteria provided, multiple submitters, no conflicts (2 of 4 stars). 8 submissions from 8 submitters: Pathogenic (6); Likely pathogenic (1). 1 of the submissions does not count toward it. Last evaluated 2025-07-01.

Conditions:
OCRL-related disorder. Also called: OCRL-related condition.
Dent disease type 2. Identifiers: Orphanet 1652, Orphanet 93623, MedGen C1845167, MONDO:0010359, OMIM 300555.
Lowe syndrome (OCRL). Also called: LOWE OCULOCEREBRORENAL SYNDROME; PHOSPHATIDYLINOSITOL 4,5-BISPHOSPHATE 5-PHOSPHATASE DEFICIENCY; Oculocerebrorenal Syndrome. Identifiers: Orphanet 534, MedGen C0028860, MONDO:0010645, OMIM 309000.
Neurodevelopmental delay. Identifiers: MedGen C4022738, HP:0012758.

Submissions (8):

PreventionGenetics, part of Exact Sciences
Classification: Pathogenic for OCRL-related condition. Last evaluated: 2025-07-01. Review status: criteria provided, single submitter. Criteria: ACMG Guidelines, 2015. Collection method: clinical testing. Allele origin: germline.
Comment: The OCRL c.940-11G>A variant is predicted to interfere with splicing. This variant has been reported in multiple individuals with Lowe syndrome (Nakanishi et al. 2017. PubMed ID: 28803024; Tatsi et al. 2019. PubMed ID: 31676009; Recker et al. 2014. PubMed ID: 25480730). Functional studies demonstrated this variant causes aberrant splicing resulting in a frameshift and premature protein termination (p.Lys313_Val314insAsnSer*) (Nakanishi et al. 2017. PubMed ID: 28803024). This variant has not been reported in a large population database (gnomAD), indicating this variant is rare. This variant is interpreted as pathogenic.

Labcorp Genetics (formerly Invitae), Labcorp
Classification: Pathogenic for Lowe syndrome. Last evaluated: 2024-06-17. Review status: criteria provided, single submitter. Criteria: Invitae Variant Classification Sherloc (09022015). Collection method: clinical testing. Allele origin: germline.
Comment: This sequence change falls in intron 10 of the OCRL gene. It does not directly change the encoded amino acid sequence of the OCRL protein. RNA analysis indicates that this variant induces altered splicing and may result in an absent or disrupted protein product. This variant is not present in population databases (gnomAD no frequency). This variant has been observed in individuals with Lowe syndrome (PMID: 16381338, 25480730, 28803024). ClinVar contains an entry for this variant (Variation ID: 279859). Studies have shown that this variant results in retention of 9 nucleotides in intron 10 and introduces a premature termination codon (PMID: 16381338, 28803024). The resulting mRNA is expected to undergo nonsense-mediated decay. For these reasons, this variant has been classified as Pathogenic.

Neuberg Centre For Genomic Medicine, NCGM
Classification: Pathogenic for Lowe syndrome. Last evaluated: 2023-06-22. Review status: criteria provided, single submitter. Criteria: ACMG Guidelines, 2015. Collection method: clinical testing. Allele origin: germline. Inheritance: X-linked recessive inheritance. Affected: yes.
Comment: The observed intron variant c.940-11G>A in OCRL gene has been reported previously in X-linked state in individual(s) affected with Lowe Syndrome (Wang et al., 2022). This variant is absent in gnomAD Exomes. This variant has been reported to the ClinVar database as Likely Pathogenic / Pathogenic (multiple submissions). This intron variant in intron 10 affects the position eleven nucleotides upstream of exon 11. The spliceAI tool predicts that this splice site variant is damaging. This variant is located in a mutational hot spot and/or critical and well-established functional domain. For these reasons, this variant has been classified as Pathogenic.

GeneDx
Classification: Pathogenic. Last evaluated: 2020-12-16. Review status: criteria provided, single submitter. Criteria: GeneDx Variant Classification Process June 2021. Collection method: clinical testing. Allele origin: germline. Affected: yes.
Comment: Published functional studies demonstrate a marked reduction in phosphatase activity compared to controls (Montjean et al., 2015); Not observed in large population cohorts (Lek et al., 2016); In silico analysis, which includes splice predictors and evolutionary conservation, suggests this variant may impact gene splicing. In the absence of RNA/functional studies, the actual effect of this sequence change is unknown.; This variant is associated with the following publications: (PMID: 28803024, 31676009, 16381338, 21031565, 25480730, 27229703, 25305077, 31031587)

Baylor Genetics
Classification: Pathogenic for Dent disease type 2. Last evaluated: 2018-06-28. Review status: criteria provided, single submitter. Criteria: ACMG Guidelines, 2015. Collection method: clinical testing. Allele origin: de novo. Affected: yes.
Comment: This variant was determined to be pathogenic according to ACMG Guidelines, 2015 [PMID:25741868]. This variant was reported previously as disease-causing [PMID: 16381338, 28803024]

Centre de Biologie Pathologie Génétique, Centre Hospitalier Universitaire de Lille
Classification: Likely pathogenic for Neurodevelopmental delay. Review status: criteria provided, single submitter. Criteria: ACMG Guidelines, 2015. Collection method: clinical testing. Allele origin: inherited. Affected: yes.

Clinical Biomedical Laboratory, Shriners Hospital For Children - Canada
Classification: Pathogenic for Lowe syndrome. Review status: criteria provided, single submitter. Criteria: ACMG Guidelines, 2015. Collection method: clinical testing. Allele origin: germline. Affected: yes.
Comment: This variant is predicted to affect a nucleotide in the splice acceptor region of exon 11 in OCRL. This variant introduces a new AG dinucleotide in the ‘AG exclusion zone’ of exon 11 and thereby is expected to disrupt RNA splicing and lead to loss of function of the affected allele. Loss-of-function variants in OCRL are associated with Lowe syndrome. This variant is absent from the Genome Aggregation Database (v2.1.1), indicating it is very rare. This variant has been reported in the literature as a cause of Lowe syndrome several times (e.g., PMID 25480730). Based on the ACMG variant interpretation guidelines (criteria: PVS1, PS3, PM2, PP3), the available evidence supports classification of this variant as pathogenic.

Pediatric Nephrology (Iijima Lab), Kobe University Graduate School of Medicine
Classification: Pathogenic for Dent disease type 2; Lowe syndrome. Last evaluated: 2017-07-13. Review status: no assertion criteria provided. Collection method: clinical testing. Allele origin: de novo. Inheritance: X-linked inheritance. Affected: yes. Observed: 1 variant allele, 1 hemizygote. Not counted in ClinVar's aggregate classification.
Comment: 9 bp of AACTCATAG insertion between Exon 10 and 11 was confirmed by RT-PCR as a result of activating a novel splicing acceptor site by both patient's sample and minigene assay.

Literature cited by the submitters: PubMed 16381338 (cited by Labcorp Genetics (formerly Invitae), Labcorp and Baylor Genetics); PubMed 25480730 (cited by Labcorp Genetics (formerly Invitae), Labcorp); PubMed 28803024 (cited by Labcorp Genetics (formerly Invitae), Labcorp and Baylor Genetics).

NM_000276.4(OCRL):c.940-11G>A

Gene: OCRL (OCRL inositol polyphosphate-5-phosphatase; plus strand). Cytogenetic location: Xq26.1.
Variant type: single nucleotide variant.
Coding change: c.940-11G>A on transcript NM_000276.4 (MANE Select); 11 bases into the intron before coding-DNA position 940, G replaced by A.
Molecular consequence: intron variant.
Genome position (GRCh38, 1-based): chrX:129,562,373, G>A. VCF-style: chrX-129562373-G-A. GRCh37 (hg19) VCF-style: chrX-128696350-G-A.
Other names: c.943-11G>A (NM_001318784.2); c.940-11G>A (NM_001587.4).
Identifiers: ClinVar variation 279859 (VCV000279859.16), dbSNP rs776743373, ClinGen allele CA10603588.